The following is an entry in ClinVar:

ClinVar aggregate classification (germline): Benign (1 of 4 stars; one submission).

Conditions:
Hypercalcemia, infantile, 1 (HCINF1). Identifiers: Orphanet 300547, MedGen CN031131, MONDO:0020739, OMIM 143880.

Allele frequency attached by ClinVar (database versions not stated): 1000 Genomes Project 0.00759; gnomAD 0.00792 and 0.00734; 1000 Genomes Project 30x 0.00796; TOPMed 0.00813.

Submission:

Illumina Laboratory Services, Illumina
Classification: Benign for Hypercalcemia, infantile, 1. Last evaluated: 2018-01-13. Review status: criteria provided, single submitter. Criteria: ICSL Variant Classification Criteria 13 December 2019. Collection method: clinical testing. Allele origin: germline.
Comment: This variant was observed in the ICSL laboratory as part of a predisposition screen in an ostensibly healthy population. It had not been previously curated by ICSL or reported in the Human Gene Mutation Database (HGMD: prior to June 1st, 2018), and was therefore a candidate for classification through an automated scoring system. Utilizing variant allele frequency, disease prevalence and penetrance estimates, and inheritance mode, an automated score was calculated to assess if this variant is too frequent to cause the disease. Based on the score and internal cut-off values, a variant classified as benign is not then subjected to further curation. The score for this variant resulted in a classification of benign for this disease.

NM_000782.5(CYP24A1):c.*716G>A

Gene: CYP24A1 (cytochrome P450 family 24 subfamily A member 1; minus strand). Cytogenetic location: 20q13.2.
Variant type: single nucleotide variant.
Coding change: c.*716G>A on transcript NM_000782.5 (MANE Select); 716 bases downstream of the stop codon, G replaced by A.
Molecular consequence: 3 prime UTR variant.
Genome position (GRCh38, 1-based): chr20:54,154,056, C>T on the plus strand (G>A on the coding strand, the complement: CYP24A1 is on the minus strand). VCF-style: chr20-54154056-C-T. GRCh37 (hg19) VCF-style: chr20-52770595-C-T.
Other names: c.*716G>A (NM_001128915.2).
Identifiers: ClinVar variation 897370 (VCV000897370.5), dbSNP rs75213738, ClinGen allele CA316198915.